The following is an entry in ClinVar:

NM_005204.4(MAP3K8):c.1121A>G (p.Asn374Ser)

Gene: MAP3K8 (mitogen-activated protein kinase kinase kinase 8; plus strand). Cytogenetic location: 10p11.23.
Variant type: single nucleotide variant.
Coding change: c.1121A>G on transcript NM_005204.4 (MANE Select); coding-DNA position 1121, A replaced by G.
Protein change: p.Asn374Ser; replaces asparagine 374 with serine.
Molecular consequence: missense variant.
Genome position (GRCh38, 1-based): chr10:30,459,349, A>G. VCF-style: chr10-30459349-A-G. GRCh37 (hg19) VCF-style: chr10-30748278-A-G.
Other names: c.1121A>G, p.Asn374Ser (NM_001244134.1, NM_001320961.2); short protein forms N374S.
Identifiers: ClinVar variation 2717144 (VCV002717144.3), dbSNP rs755188415, ClinGen allele CA5459864.
Genomic context (GRCh38, chr10:30,459,349, plus strand): 5'-CAGATGACTGCAGTCCAGGGATGAGAGAGCTGATAGAAGCTTCCCTGGAGAGAAACCCCA[A>G]TCACCGCCCAAGAGCCGCAGACCTACTAAAACATGAGGCCCTGAACCCGCCCAGAGAGGA-3'
Protein context (NP_005195.2, residues 364-384): LIEASLERNP[Asn374Ser]HRPRAADLLK

ClinVar aggregate classification (germline): Uncertain significance (1 of 4 stars; one submission).

Allele frequency attached by ClinVar (database versions not stated): ExAC 0.00001; gnomAD exomes 0.00001; TOPMed 0.00001.
gnomAD v4.1: 21 of 1,614,120 alleles (0.0013%); highest among the groups gnomAD compares: Non-Finnish European, 0.0017%; no homozygotes.

Submission:

Labcorp Genetics (formerly Invitae), Labcorp
Classification: Uncertain significance. Last evaluated: 2023-03-19. Review status: criteria provided, single submitter. Criteria: Invitae Variant Classification Sherloc (09022015). Collection method: clinical testing. Allele origin: germline.
Comment: In summary, the available evidence is currently insufficient to determine the role of this variant in disease. Therefore, it has been classified as a Variant of Uncertain Significance. Algorithms developed to predict the effect of missense changes on protein structure and function output the following: SIFT: "Not Available"; PolyPhen-2: "Benign"; Align-GVGD: "Not Available". The serine amino acid residue is found in multiple mammalian species, which suggests that this missense change does not adversely affect protein function. This variant has not been reported in the literature in individuals affected with MAP3K8-related conditions. This variant is present in population databases (rs755188415, gnomAD 0.003%). This sequence change replaces asparagine, which is neutral and polar, with serine, which is neutral and polar, at codon 374 of the MAP3K8 protein (p.Asn374Ser).